The following is an entry in ClinVar:

ClinVar aggregate classification (germline): Likely pathogenic (1 of 4 stars; one submission).

Conditions:
Autosomal recessive congenital ichthyosis 1 (LI1). Also called: DESQUAMATION OF NEWBORN; ICHTHYOSIS CONGENITA; ICHTHYOSIS CONGENITA II; LAMELLAR EXFOLIATION OF NEWBORN; ICHTHYOSIS, CONGENITAL, AUTOSOMAL RECESSIVE 1, WITH BATHING SUIT DISTRIBUTION; ICHTHYOSIS, CONGENITAL, AUTOSOMAL RECESSIVE 1, WITH OR WITHOUT BATHING SUIT DISTRIBUTION. Identifiers: MedGen C4551630, MONDO:0009441, OMIM 242300.

Submission:

Myriad Genetics, Inc.
Classification: Likely pathogenic for Autosomal recessive congenital ichthyosis 1. Last evaluated: 2022-03-14. Review status: criteria provided, single submitter. Criteria: Myriad Women's Health Autosomal Recessive and X-Linked Classification Criteria (2021). Collection method: clinical testing. Allele origin: unknown.
Comment: NM_000359.2(TGM1):c.1489delGinsAC(E497Tfs*4) is expected to be pathogenic in the context of TGM1-related autosomal recessive congenital ichthyosis. This variant is predicted to lead to an abnormal or absent protein product due to the creation of a premature termination codon in TGM1, a gene where loss-of-function variants are known to be pathogenic. Please note: this variant was assessed in the context of healthy population screening.

NM_000359.3(TGM1):c.1489delinsAC (p.Glu497fs)

Gene: TGM1 (transglutaminase 1; minus strand). Cytogenetic location: 14q12.
Variant type: Indel.
Coding change: c.1489delinsAC on transcript NM_000359.3 (MANE Select); coding-DNA position 1489, G replaced by AC.
Protein change: p.Glu497fs; shifts the reading frame from glutamic acid 497.
Molecular consequence: frameshift variant.
Genome position (GRCh38, 1-based): chr14:24,255,991, C replaced by GT on the plus strand (G replaced by AC on the coding strand, the reverse complement: TGM1 is on the minus strand). VCF-style: chr14-24255991-C-GT. GRCh37 (hg19) VCF-style: chr14-24725197-C-GT.
Other names: short protein forms E497fs.
Identifiers: ClinVar variation 1725228 (VCV001725228.2), dbSNP rs2502496221, ClinGen allele CA2580087959.